The following is an entry in ClinVar:

ClinVar aggregate classification (germline): Uncertain significance (1 of 4 stars; one submission).

Submission:

Labcorp Genetics (formerly Invitae), Labcorp
Classification: Uncertain significance. Last evaluated: 2022-04-10. Review status: criteria provided, single submitter. Criteria: Invitae Variant Classification Sherloc (09022015). Collection method: clinical testing. Allele origin: germline.
Comment: This variant results in a copy number gain of the genomic region encompassing exon(s) 20-24 of the TRIM37 gene. This region includes the termination codon of the gene. This copy number gain extends beyond the assayed region for this gene and therefore may encompass additional genes. As the precise location of this event is unknown, it may be in tandem or it may be located elsewhere in the genome. This variant has not been reported in the literature in individuals affected with TRIM37-related conditions. Experimental studies and prediction algorithms are not available or were not evaluated, and the functional significance of this variant is currently unknown. In summary, the available evidence is currently insufficient to determine the role of this variant in disease. Therefore, it has been classified as a Variant of Uncertain Significance.

NC_000017.10:g.(?_57076738)_(57094805_?)dup

Gene: TRIM37 (tripartite motif containing 37; minus strand). Cytogenetic location: 17q22.
Variant type: Duplication.
Identifiers: ClinVar variation 2426130 (VCV002426130.3).